The following is an entry in ClinVar:

NM_002878.4(RAD51D):c.668-3C>G

Genes: RAD51D (RAD51 paralog D; minus strand), RAD51L3-RFFL (RAD51L3-RFFL readthrough; minus strand). Cytogenetic location: 17q12.
Variant type: single nucleotide variant.
Coding change: c.668-3C>G on transcript NM_002878.4 (MANE Select); 3 bases into the intron before coding-DNA position 668, C replaced by G.
Molecular consequence: intron variant.
Genome position (GRCh38, 1-based): chr17:35,103,327, G>C on the plus strand (C>G on the coding strand, the complement: RAD51D is on the minus strand). VCF-style: chr17-35103327-G-C. GRCh37 (hg19) VCF-style: chr17-33430346-G-C.
Other names: c.332-3C>G (NM_133629.3); c.728-3C>G (NM_001142571.2).
Identifiers: ClinVar variation 1172263 (VCV001172263.3), dbSNP rs2142418884, ClinGen allele CA2499224272.

ClinVar aggregate classification (germline): Conflicting classifications of pathogenicity. Review status: criteria provided, conflicting classifications (1 of 4 stars). 2 submissions from 2 submitters: Likely pathogenic (1); Uncertain significance (1). Last evaluated 2026-01-12.

Conditions:
Breast-ovarian cancer, familial, susceptibility to, 4. Identifiers: Orphanet 145, MedGen C3280345, MONDO:0013669, OMIM 614291.
Hereditary cancer-predisposing syndrome. Also called: Tumor predisposition; Hereditary neoplastic syndrome; Hereditary Cancer Syndrome; Neoplastic Syndromes, Hereditary. Identifiers: Orphanet 140162, MedGen C0027672, MeSH D009386, MONDO:0015356.

Submissions (2):

Labcorp Genetics (formerly Invitae), Labcorp
Classification: Likely pathogenic for Breast-ovarian cancer, familial, susceptibility to, 4. Last evaluated: 2026-01-12. Review status: criteria provided, single submitter. Criteria: Invitae Variant Classification Sherloc (09022015). Collection method: clinical testing. Allele origin: germline.
Comment: This sequence change falls in intron 7 of the RAD51D gene. It does not directly change the encoded amino acid sequence of the RAD51D protein. RNA analysis indicates that this variant induces altered splicing and may result in an absent or altered protein product. This variant is not present in population databases (gnomAD no frequency). This variant has not been reported in the literature in individuals affected with RAD51D-related conditions. ClinVar contains an entry for this variant (Variation ID: 1172263). Variants that disrupt the consensus splice site are a relatively common cause of aberrant splicing (PMID: 17576681, 9536098). Studies have shown that this variant results in skipping of exon 8, and produces a non-functional protein and/or introduces a premature termination codon (internal data). In summary, the currently available evidence indicates that the variant is pathogenic, but additional data are needed to prove that conclusively. Therefore, this variant has been classified as Likely Pathogenic.

Color Diagnostics, LLC DBA Color Health
Classification: Uncertain significance for Hereditary cancer-predisposing syndrome. Last evaluated: 2020-10-14. Review status: criteria provided, single submitter. Criteria: ACMG Guidelines, 2015. Collection method: clinical testing. Allele origin: germline.
Comment: This variant causes a C to G nucleotide substitution at the -3 position of intron 7 of the RAD51D gene. Splice site prediction tools predict that this variant may have a significant impact on RNA splicing. However, this prediction has not been confirmed in published RNA studies. To our knowledge, this variant has not been reported in individuals affected with hereditary cancer in the literature. This variant has not been identified in the general population by the Genome Aggregation Database (gnomAD). The available evidence is insufficient to determine the role of this variant in disease conclusively. Therefore, this variant is classified as a Variant of Uncertain Significance.

Literature cited by the submitters: PubMed 17576681 (cited by Labcorp Genetics (formerly Invitae), Labcorp); PubMed 9536098 (cited by Labcorp Genetics (formerly Invitae), Labcorp).